The following is an entry in ClinVar:

ClinVar aggregate classification (germline): Uncertain significance. Review status: criteria provided, multiple submitters, no conflicts (2 of 4 stars). 2 submissions from 2 submitters: Uncertain significance (2). Last evaluated 2022-12-03.

Conditions:
Hereditary cancer-predisposing syndrome. Also called: Neoplastic Syndromes, Hereditary; Hereditary Cancer Syndrome; Hereditary neoplastic syndrome; Tumor predisposition. Identifiers: Orphanet 140162, MedGen C0027672, MeSH D009386, MONDO:0015356.
Ataxia-telangiectasia syndrome (AT). Also called: LOUIS-BAR SYNDROME; Ataxia-telangiectasia, complementation group E; Ataxia-telangiectasia, complementation group D; AT, COMPLEMENTATION GROUP C; Ataxia telangiectasia (A-T); Cerebello-oculocutaneous telangiectasia. Identifiers: Orphanet 100, MedGen C0004135, MONDO:0008840, OMIM 208900.

Submissions (2):

Ambry Genetics
Classification: Uncertain significance for Hereditary cancer-predisposing syndrome. Last evaluated: 2022-12-03. Review status: criteria provided, single submitter. Criteria: Ambry Variant Classification Scheme 2023. Collection method: clinical testing. Allele origin: germline.
Comment: The p.C1900S variant (also known as c.5699G>C), located in coding exon 37 of the ATM gene, results from a G to C substitution at nucleotide position 5699. The cysteine at codon 1900 is replaced by serine, an amino acid with dissimilar properties. This amino acid position is conserved. In addition, this alteration is predicted to be tolerated by in silico analysis. Since supporting evidence is limited at this time, the clinical significance of this alteration remains unclear.

Labcorp Genetics (formerly Invitae), Labcorp
Classification: Uncertain significance for Ataxia-telangiectasia syndrome. Last evaluated: 2021-09-01. Review status: criteria provided, single submitter. Criteria: Invitae Variant Classification Sherloc (09022015). Collection method: clinical testing. Allele origin: germline.
Comment: This sequence change replaces cysteine with serine at codon 1900 of the ATM protein (p.Cys1900Ser). The cysteine residue is weakly conserved and there is a moderate physicochemical difference between cysteine and serine. This variant is not present in population databases (ExAC no frequency). This variant has not been reported in the literature in individuals affected with ATM-related conditions. Algorithms developed to predict the effect of missense changes on protein structure and function output the following: SIFT: "Tolerated"; PolyPhen-2: "Not Available"; Align-GVGD: "Class C0". The serine amino acid residue is found in multiple mammalian species, which suggests that this missense change does not adversely affect protein function. In summary, the available evidence is currently insufficient to determine the role of this variant in disease. Therefore, it has been classified as a Variant of Uncertain Significance.

NM_000051.4(ATM):c.5699G>C (p.Cys1900Ser)

Gene: ATM (ATM serine/threonine kinase; plus strand). Cytogenetic location: 11q22.3.
Variant type: single nucleotide variant.
Coding change: c.5699G>C on transcript NM_000051.4 (MANE Select); coding-DNA position 5699, G replaced by C.
Protein change: p.Cys1900Ser; replaces cysteine 1900 with serine.
Molecular consequence: missense variant.
Genome position (GRCh38, 1-based): chr11:108,307,921, G>C. VCF-style: chr11-108307921-G-C. GRCh37 (hg19) VCF-style: chr11-108178648-G-C.
Other names: c.5699G>C, p.Cys1900Ser (NM_001351834.2); short protein forms C1900S.
Identifiers: ClinVar variation 644114 (VCV000644114.7), dbSNP rs1591731972, ClinGen allele CA382547826.